The following is an entry in ClinVar:

ClinVar aggregate classification (germline): Likely benign (1 of 4 stars; one submission).

Conditions:
EP300-related disorder. Also called: EP300-related condition; EP300-related disorders.

Submission:

PreventionGenetics, part of Exact Sciences
Classification: Likely benign for EP300-related condition. Last evaluated: 2025-03-05. Review status: criteria provided, single submitter. Criteria: ACMG Guidelines, 2015. Collection method: clinical testing. Allele origin: germline.
Comment: This variant is classified as likely benign based on ACMG/AMP sequence variant interpretation guidelines (Richards et al. 2015 PMID: 25741868, with internal and published modifications).

NM_001429.4(EP300):c.1125C>T (p.Val375=)

Gene: EP300 (EP300 lysine acetyltransferase; plus strand). Cytogenetic location: 22q13.2.
Variant type: single nucleotide variant.
Coding change: c.1125C>T on transcript NM_001429.4 (MANE Select); coding-DNA position 1125, C replaced by T.
Protein change: p.Val375=; no amino-acid change (valine 375 retained).
Molecular consequence: synonymous variant.
Genome position (GRCh38, 1-based): chr22:41,127,705, C>T. VCF-style: chr22-41127705-C-T. GRCh37 (hg19) VCF-style: chr22-41523709-C-T.
Other names: c.1125C>T, p.Val375= (NM_001362843.2).
Identifiers: ClinVar variation 4997530 (VCV004997530.1).
Genomic context (GRCh38, chr22:41,127,705, plus strand): 5'-ACAGGCCAATGGGGAAGTGAGGCAGTGCAACCTTCCCCACTGTCGCACAATGAAGAATGT[C>T]CTAAACCACATGACACACTGCCAGTCAGGCAAGTCTTGCCAAGGTAAGTGGACCCACAGG-3'
Protein context (NP_001420.2, residues 365-385): NLPHCRTMKN[Val375=]LNHMTHCQSG